The following is an entry in ClinVar:

NM_138459.5(NUS1):c.111del (p.Trp37fs)

Gene: NUS1 (NUS1 dehydrodolichyl diphosphate synthase subunit; plus strand). Cytogenetic location: 6q22.1.
Variant type: Deletion.
Coding change: c.111del on transcript NM_138459.5 (MANE Select); coding-DNA position 111, one base deleted (G; older notation c.111delG).
Protein change: p.Trp37fs; shifts the reading frame from tryptophan 37.
Molecular consequence: frameshift variant.
Genome position (GRCh38, 1-based): chr6:117,675,781, G deleted; the last of 2 consecutive G bases (chr6:117,675,780-117,675,781); deleting either gives the same sequence. VCF-style (leftmost placement, unchanged base first): chr6-117675779-TG-T. GRCh37 (hg19) VCF-style: chr6-117996942-TG-T.
Other names: short protein forms W37fs.
Identifiers: ClinVar variation 3647294 (VCV003647294.2).

ClinVar aggregate classification (germline): Pathogenic (1 of 4 stars; one submission).

Conditions:
Congenital disorder of glycosylation, type Iaa. Also called: Congenital disorder of glycosylation, type 1aa. Identifiers: MedGen C4310727, MONDO:0014904, OMIM 617082.

Submission:

Labcorp Genetics (formerly Invitae), Labcorp
Classification: Pathogenic for Congenital disorder of glycosylation, type Iaa. Last evaluated: 2024-03-22. Review status: criteria provided, single submitter. Criteria: Invitae Variant Classification Sherloc (09022015). Collection method: clinical testing. Allele origin: germline.
Comment: This sequence change creates a premature translational stop signal (p.Trp37Cysfs*13) in the NUS1 gene. It is expected to result in an absent or disrupted protein product. Loss-of-function variants in NUS1 are known to be pathogenic (PMID: 29100083). This variant is not present in population databases (gnomAD no frequency). This variant has not been reported in the literature in individuals affected with NUS1-related conditions. For these reasons, this variant has been classified as Pathogenic.

Literature cited by the submitters: PubMed 29100083.